The following is an entry in ClinVar:

ClinVar aggregate classification (germline): Uncertain significance. Review status: criteria provided, multiple submitters, no conflicts (2 of 4 stars). 2 submissions from 2 submitters: Uncertain significance (2). Last evaluated 2021-11-30.

Conditions:
Hereditary cancer-predisposing syndrome. Also called: Hereditary Cancer Syndrome; Hereditary neoplastic syndrome; Neoplastic Syndromes, Hereditary; Tumor predisposition. Identifiers: Orphanet 140162, MedGen C0027672, MeSH D009386, MONDO:0015356.

Submissions (2):

Ambry Genetics
Classification: Uncertain significance for Hereditary cancer-predisposing syndrome. Last evaluated: 2021-11-30. Review status: criteria provided, single submitter. Criteria: Ambry Variant Classification Scheme 2023. Collection method: clinical testing. Allele origin: germline.
Comment: The p.L2168V variant (also known as c.6502C>G), located in coding exon 15 of the APC gene, results from a C to G substitution at nucleotide position 6502. The leucine at codon 2168 is replaced by valine, an amino acid with highly similar properties. This amino acid position is highly conserved in available vertebrate species. In addition, in silico predictors for this gene do not accurately predict pathogenicity. Since supporting evidence is limited at this time, the clinical significance of this alteration remains unclear.

Sema4
Classification: Uncertain significance for Hereditary cancer-predisposing syndrome. Last evaluated: 2021-06-15. Review status: criteria provided, single submitter. Criteria: Sema4 Curation Guidelines. Collection method: curation. Allele origin: germline.
Comment: The APC c.6502C>G (p.L2168V) variant has not been reported in literature to our knowledge. This variant was not observed in the large and broad cohorts of the Genome Aggregation Database (PMID: 32461654). This variant has been reported in ClinVar (Variation ID 495369). In silico tools suggest the impact of the variant on protein function is inconclusive, though these predictions have not been confirmed by functional studies. The overall evidence is insufficient to meet ACMG/AMP criteria for classifying it as benign or pathogenic. In summary, the clinical significance of this variant is currently uncertain.

NM_000038.6(APC):c.6502C>G (p.Leu2168Val)

Gene: APC (APC regulator of Wnt signaling pathway; plus strand). Cytogenetic location: 5q22.2.
Variant type: single nucleotide variant.
Coding change: c.6502C>G on transcript NM_000038.6 (MANE Select); coding-DNA position 6502, C replaced by G.
Protein change: p.Leu2168Val; replaces leucine 2168 with valine.
Molecular consequence: missense variant.
Genome position (GRCh38, 1-based): chr5:112,842,096, C>G. VCF-style: chr5-112842096-C-G. GRCh37 (hg19) VCF-style: chr5-112177793-C-G.
Other names: c.6502C>G, p.Leu2168Val (NM_001127510.3, NM_001354895.2); c.6448C>G, p.Leu2150Val (NM_001127511.3); c.6556C>G, p.Leu2186Val (NM_001354896.2); c.6532C>G, p.Leu2178Val (NM_001354897.2); c.6427C>G, p.Leu2143Val (NM_001354898.2); c.6418C>G, p.Leu2140Val (NM_001354899.2); c.6379C>G, p.Leu2127Val (NM_001354900.2); c.6325C>G, p.Leu2109Val (NM_001354901.2); and 5 more; short protein forms L1885V, L2008V, L2042V, L2067V, L2077V, L2109V, L2127V, L2140V.
Identifiers: ClinVar variation 1692280 (VCV001692280.3), dbSNP rs767818933, ClinGen allele CA16035557.